The following is an entry in ClinVar:

ClinVar aggregate classification (germline): Uncertain significance (1 of 4 stars; one submission).

Conditions:
Microcephaly-intellectual disability-sensorineural hearing loss-epilepsy-abnormal muscle tone syndrome (NEDHSB). Also called: NEURODEVELOPMENTAL DISORDER WITH HEARING LOSS, SEIZURES, AND BRAIN ABNORMALITIES. Identifiers: Orphanet 457351, MedGen C4225276, MONDO:0014698, OMIM 616577.

Submission:

Labcorp Genetics (formerly Invitae), Labcorp
Classification: Uncertain significance for Microcephaly-intellectual disability-sensorineural hearing loss-epilepsy-abnormal muscle tone syndrome. Last evaluated: 2022-08-16. Review status: criteria provided, single submitter. Criteria: Invitae Variant Classification Sherloc (09022015). Collection method: clinical testing. Allele origin: germline.
Comment: In summary, the available evidence is currently insufficient to determine the role of this variant in disease. Therefore, it has been classified as a Variant of Uncertain Significance. Advanced modeling of protein sequence and biophysical properties (such as structural, functional, and spatial information, amino acid conservation, physicochemical variation, residue mobility, and thermodynamic stability) performed at Invitae indicates that this missense variant is not expected to disrupt SPATA5 protein function. This variant has not been reported in the literature in individuals affected with SPATA5-related conditions. This variant is not present in population databases (gnomAD no frequency). This sequence change replaces glutamic acid, which is acidic and polar, with glycine, which is neutral and non-polar, at codon 818 of the SPATA5 protein (p.Glu818Gly).

NM_145207.3(AFG2A):c.2453A>G (p.Glu818Gly)

Gene: AFG2A (AAA ATPase AFG2A; plus strand). Cytogenetic location: 4q28.1.
Variant type: single nucleotide variant.
Coding change: c.2453A>G on transcript NM_145207.3 (MANE Select); coding-DNA position 2453, A replaced by G.
Protein change: p.Glu818Gly; replaces glutamic acid 818 with glycine.
Molecular consequence: missense variant.
Genome position (GRCh38, 1-based): chr4:123,256,128, A>G. VCF-style: chr4-123256128-A-G. GRCh37 (hg19) VCF-style: chr4-124177283-A-G.
Other names: c.2450A>G, p.Glu817Gly (NM_001345856.2); short protein forms E817G, E818G.
Identifiers: ClinVar variation 2119589 (VCV002119589.3), dbSNP rs2530450021, ClinGen allele CA358230748.